The following is an entry in ClinVar:

NM_144666.3(DNHD1):c.4060G>A (p.Ala1354Thr)

Gene: DNHD1 (dynein heavy chain domain 1; plus strand). Cytogenetic location: 11p15.4.
Variant type: single nucleotide variant.
Coding change: c.4060G>A on transcript NM_144666.3 (MANE Select); coding-DNA position 4060, G replaced by A.
Protein change: p.Ala1354Thr; replaces alanine 1354 with threonine.
Molecular consequence: missense variant.
Genome position (GRCh38, 1-based): chr11:6,544,999, G>A. VCF-style: chr11-6544999-G-A. GRCh37 (hg19) VCF-style: chr11-6566229-G-A.
Other names: short protein forms A1354T.
Identifiers: ClinVar variation 742167 (VCV000742167.28), dbSNP rs200542540, ClinGen allele CA5855969.
Genomic context (GRCh38, chr11:6,544,999, plus strand): 5'-GGATCGGTGGAGCTGGAGGGCATCATCATGAGTCTGGAGAGCGTGCTCTATGGGGTGTGT[G>A]CTCACTTCCCCCGCCTCTTCTTCCTTAGTGACAGTGAGCTGGTAGCCCTGCTGGCTGCTC-3'
Protein context (NP_653267.2, residues 1344-1364): SLESVLYGVC[Ala1354Thr]HFPRLFFLSD

ClinVar aggregate classification (germline): Benign/Likely benign. Review status: criteria provided, multiple submitters, no conflicts (2 of 4 stars). 4 submissions from 4 submitters: Benign (1); Likely benign (2). 1 of the submissions does not count toward it. Last evaluated 2024-02-01.

Conditions:
DNHD1-related disorder. Also called: DNHD1-related condition.
Spermatogenic failure 65 (SPGF65). Identifiers: MedGen C5562067, MONDO:0030531, OMIM 619712.

Allele frequency attached by ClinVar (database versions not stated): ESP Exome Variant Server 0.00110; gnomAD exomes 0.00137 and 0.00332; gnomAD 0.00242 and 0.00257; 1000 Genomes Project 30x 0.00031; TOPMed 0.00042; ExAC 0.00291.
gnomAD v4.1: 2,282 of 1,551,742 alleles (0.15%); highest among the groups gnomAD compares: Non-Finnish European, 0.059%; 20 homozygotes.

Submissions (4):

CeGaT Center for Human Genetics Tuebingen
Classification: Likely benign. Last evaluated: 2024-02-01. Review status: criteria provided, single submitter. Criteria: CeGaT Center For Human Genetics Tuebingen Variant Classification Criteria Version 2. Collection method: clinical testing. Allele origin: germline. Affected: yes. Observed: 1 variant allele.
Comment: DNHD1: BP4, BS2

Fulgent Genetics
Classification: Likely benign for Spermatogenic failure 65. Last evaluated: 2022-03-16. Review status: criteria provided, single submitter. Criteria: ACMG Guidelines, 2015. Collection method: clinical testing. Allele origin: unknown.

Labcorp Genetics (formerly Invitae), Labcorp
Classification: Benign. Last evaluated: 2019-12-31. Review status: criteria provided, single submitter. Criteria: Invitae Variant Classification Sherloc (09022015). Collection method: clinical testing. Allele origin: germline.

PreventionGenetics, part of Exact Sciences
Classification: Benign for DNHD1-related condition. Last evaluated: 2019-09-05. Review status: no assertion criteria provided. Collection method: clinical testing. Allele origin: germline. Not counted in ClinVar's aggregate classification.
Comment: This variant is classified as benign based on ACMG/AMP sequence variant interpretation guidelines (Richards et al. 2015 PMID: 25741868, with internal and published modifications).